The following is an entry in ClinVar:

NM_012073.5(CCT5):c.472G>A (p.Asp158Asn)

Gene: CCT5 (chaperonin containing TCP1 subunit 5; plus strand). Cytogenetic location: 5p15.2.
Variant type: single nucleotide variant.
Coding change: c.472G>A on transcript NM_012073.5 (MANE Select); coding-DNA position 472, G replaced by A.
Protein change: p.Asp158Asn; replaces aspartic acid 158 with asparagine.
Molecular consequence: missense variant.
Genome position (GRCh38, 1-based): chr5:10,256,095, G>A. VCF-style: chr5-10256095-G-A. GRCh37 (hg19) VCF-style: chr5-10256207-G-A.
Other names: c.409G>A, p.Asp137Asn (NM_001306153.1); c.307G>A, p.Asp103Asn (NM_001306154.2); c.193G>A, p.Asp65Asn (NM_001306155.2); c.358G>A, p.Asp120Asn (NM_001306156.2); short protein forms D103N, D65N, D137N, D120N, D158N.
Identifiers: ClinVar variation 2292949 (VCV002292949.5), dbSNP rs1336981943, ClinGen allele CA359181454.
Genomic context (GRCh38, chr5:10,256,095, plus strand): 5'-GAGCAGGCTGCTCGTGTTGCTATTGAACACCTGGACAAGATCAGCGATAGCGTCCTTGTT[G>A]ACATAAAGGACACCGAACCCCTGATTCAGACAGCAAAAACCACGCTGGGCTCCAAAGTGT-3'
Protein context (NP_036205.1, residues 148-168): LDKISDSVLV[Asp158Asn]IKDTEPLIQT

ClinVar aggregate classification (germline): Uncertain significance. Review status: criteria provided, multiple submitters, no conflicts (2 of 4 stars). 2 submissions from 2 submitters: Uncertain significance (2). Last evaluated 2023-12-13.

Conditions:
Hereditary sensory and autonomic neuropathy with spastic paraplegia (HSNSP). Identifiers: Orphanet 139578, MedGen C1850395, MONDO:0009748, OMIM 256840.

Allele frequency attached by ClinVar (database versions not stated): gnomAD 0.00001; TOPMed 0.00001; gnomAD exomes 0.00007.
gnomAD v4.1: 97 of 1,613,812 alleles (0.006%); highest among the groups gnomAD compares: Non-Finnish European, 0.0079%; no homozygotes.

Submissions (2):

Labcorp Genetics (formerly Invitae), Labcorp
Classification: Uncertain significance for Hereditary sensory and autonomic neuropathy with spastic paraplegia. Last evaluated: 2023-12-13. Review status: criteria provided, single submitter. Criteria: Invitae Variant Classification Sherloc (09022015). Collection method: clinical testing. Allele origin: germline.
Comment: This sequence change replaces aspartic acid, which is acidic and polar, with asparagine, which is neutral and polar, at codon 158 of the CCT5 protein (p.Asp158Asn). This variant is present in population databases (no rsID available, gnomAD 0.002%). This variant has not been reported in the literature in individuals affected with CCT5-related conditions. ClinVar contains an entry for this variant (Variation ID: 2292949). Experimental studies and prediction algorithms are not available or were not evaluated, and the functional significance of this variant is currently unknown. In summary, the available evidence is currently insufficient to determine the role of this variant in disease. Therefore, it has been classified as a Variant of Uncertain Significance.

Ambry Genetics
Classification: Uncertain significance. Last evaluated: 2022-05-27. Review status: criteria provided, single submitter. Criteria: Ambry Variant Classification Scheme 2023. Collection method: clinical testing. Allele origin: germline.